The following is an entry in ClinVar:

NM_170606.3(KMT2C):c.5171G>T (p.Ser1724Ile)

Gene: KMT2C (lysine methyltransferase 2C; minus strand). Cytogenetic location: 7q36.1.
Variant type: single nucleotide variant.
Coding change: c.5171G>T on transcript NM_170606.3 (MANE Select); coding-DNA position 5171, G replaced by T.
Protein change: p.Ser1724Ile; replaces serine 1724 with isoleucine.
Molecular consequence: missense variant.
Genome position (GRCh38, 1-based): chr7:152,183,068, C>A on the plus strand (G>T on the coding strand, the complement: KMT2C is on the minus strand). VCF-style: chr7-152183068-C-A. GRCh37 (hg19) VCF-style: chr7-151880153-C-A.
Other names: c.5171G>T (NM_170606.2); short protein forms S1724I.
Identifiers: ClinVar variation 134751 (VCV000134751.11), dbSNP rs138819584, ClinGen allele CA160673.

ClinVar aggregate classification (germline): Benign/Likely benign. Review status: criteria provided, multiple submitters, no conflicts (2 of 4 stars). 5 submissions from 5 submitters: Benign (2); Likely benign (2). 1 of the submissions does not count toward it. Last evaluated 2026-07-01.

Conditions:
KMT2C-related disorder. Also called: KMT2C-related condition; KMT2C-related disorders.
Kleefstra syndrome 2 (KLEFS2). Identifiers: MedGen C4540395, MONDO:0054701, OMIM 617768.

Allele frequency attached by ClinVar (database versions not stated): ExAC 0.00010; ESP Exome Variant Server 0.00015; gnomAD exomes 0.00016 and 0.00040; TOPMed 0.00020; gnomAD 0.00032 and 0.00033.
gnomAD v4.1: 610 of 1,612,902 alleles (0.038%); highest among the groups gnomAD compares: Non-Finnish European, 0.051%; no homozygotes.

Submissions (5):

CeGaT Center for Human Genetics Tuebingen
Classification: Likely benign. Last evaluated: 2026-07-01. Review status: criteria provided, single submitter. Criteria: CeGaT Center For Human Genetics Tuebingen Variant Classification Criteria Version 2. Collection method: clinical testing. Allele origin: germline. Affected: yes. Observed: 1 variant allele.
Comment: KMT2C: BS2

PreventionGenetics, part of Exact Sciences
Classification: Benign for KMT2C-related condition. Last evaluated: 2026-03-23. Review status: criteria provided, single submitter. Criteria: ACMG Guidelines, 2015. Collection method: clinical testing. Allele origin: germline.
Comment: This variant is classified as benign based on ACMG/AMP sequence variant interpretation guidelines (Richards et al. 2015 PMID: 25741868, with internal and published modifications).

Labcorp Genetics (formerly Invitae), Labcorp
Classification: Benign. Last evaluated: 2024-11-15. Review status: criteria provided, single submitter. Criteria: Invitae Variant Classification Sherloc (09022015). Collection method: clinical testing. Allele origin: germline.

Fulgent Genetics
Classification: Likely benign for Kleefstra syndrome 2. Last evaluated: 2021-07-07. Review status: criteria provided, single submitter. Criteria: ACMG Guidelines, 2015. Collection method: clinical testing. Allele origin: unknown.

ITMI
No classification provided. Condition: AllHighlyPenetrant. Last evaluated: 2013-09-19. Review status: no classification provided. Collection method: reference population. Allele origin: germline. Not counted in ClinVar's aggregate classification.
Comment: Please see associated publication for description of ethnicities

Literature cited by the submitters: PubMed 24728327 (cited by ITMI).